The following is an entry in ClinVar:

ClinVar aggregate classification (germline): Uncertain significance. Review status: criteria provided, multiple submitters, no conflicts (2 of 4 stars). 2 submissions from 2 submitters: Uncertain significance (2). Last evaluated 2024-03-01.

Conditions:
Hereditary sensory neuropathy-deafness-dementia syndrome. Also called: HSN IE; Hereditary sensory neuropathy type IE; NEUROPATHY, HEREDITARY SENSORY, WITH HEARING LOSS AND DEMENTIA; Hereditary Sensory and Autonomic Neuropathy Type 1E (HSAN1E). Identifiers: Orphanet 456318, MedGen C3279885, MONDO:0013584, OMIM 614116.

Allele frequency attached by ClinVar (database versions not stated): gnomAD exomes below 0.00001; TOPMed below 0.00001; gnomAD 0.00001.

Submissions (2):

CeGaT Center for Human Genetics Tuebingen
Classification: Uncertain significance. Last evaluated: 2024-03-01. Review status: criteria provided, single submitter. Criteria: CeGaT Center For Human Genetics Tuebingen Variant Classification Criteria Version 2. Collection method: clinical testing. Allele origin: germline. Affected: yes. Observed: 1 variant allele.
Comment: DNMT1: PM2, BP4

Labcorp Genetics (formerly Invitae), Labcorp
Classification: Uncertain significance for Hereditary sensory neuropathy-deafness-dementia syndrome. Last evaluated: 2022-12-05. Review status: criteria provided, single submitter. Criteria: Invitae Variant Classification Sherloc (09022015). Collection method: clinical testing. Allele origin: germline.
Comment: This variant is not present in population databases (gnomAD no frequency). This sequence change replaces proline, which is neutral and non-polar, with arginine, which is basic and polar, at codon 196 of the DNMT1 protein (p.Pro196Arg). This variant has not been reported in the literature in individuals affected with DNMT1-related conditions. In summary, the available evidence is currently insufficient to determine the role of this variant in disease. Therefore, it has been classified as a Variant of Uncertain Significance. Algorithms developed to predict the effect of missense changes on protein structure and function are either unavailable or do not agree on the potential impact of this missense change (SIFT: "Tolerated"; PolyPhen-2: "Possibly Damaging"; Align-GVGD: "Class C0").

NM_001130823.3(DNMT1):c.587C>G (p.Pro196Arg)

Gene: DNMT1 (DNA methyltransferase 1; minus strand). Cytogenetic location: 19p13.2.
Variant type: single nucleotide variant.
Coding change: c.587C>G on transcript NM_001130823.3 (MANE Select); coding-DNA position 587, C replaced by G.
Protein change: p.Pro196Arg; replaces proline 196 with arginine.
Molecular consequence: missense variant.
Genome position (GRCh38, 1-based): chr19:10,175,601, G>C on the plus strand (C>G on the coding strand, the complement: DNMT1 is on the minus strand). VCF-style: chr19-10175601-G-C. GRCh37 (hg19) VCF-style: chr19-10286277-G-C.
Other names: c.539C>G, p.Pro180Arg (NM_001318730.2, NM_001379.4); c.224C>G, p.Pro75Arg (NM_001318731.2); short protein forms P196R, P180R, P75R.
Identifiers: ClinVar variation 2907617 (VCV002907617.24), dbSNP rs1476219241, ClinGen allele CA403944421.